The following is an entry in ClinVar:

NM_001375505.1(MAP2):c.1240G>T (p.Ala414Ser)

Gene: MAP2 (microtubule associated protein 2; plus strand). Cytogenetic location: 2q34.
Variant type: single nucleotide variant.
Coding change: c.1240G>T on transcript NM_001375505.1 (MANE Select); coding-DNA position 1240, G replaced by T.
Protein change: p.Ala414Ser; replaces alanine 414 with serine.
Molecular consequence: missense variant. On other transcripts: intron variant (28).
Genome position (GRCh38, 1-based): chr2:209,693,410, G>T. VCF-style: chr2-209693410-G-T. GRCh37 (hg19) VCF-style: chr2-210558134-G-T.
Other names: c.1228G>T, p.Ala410Ser (NM_001363910.2, NM_001363911.2, NM_001375500.1 and 4 more transcripts); c.1486G>T, p.Ala496Ser (NM_001375501.1, NM_001375531.1, NM_001375537.1); c.1237G>T, p.Ala413Ser (NM_001375502.1, NM_001375544.1); c.1471G>T, p.Ala491Ser (NM_001375503.1); c.1240G>T, p.Ala414Ser (NM_001375504.1, NM_001375506.1, NM_001375526.1 and 4 more transcripts); c.1474G>T, p.Ala492Ser (NM_001375539.1); c.1225G>T, p.Ala409Ser (NM_001375548.1); c.766G>T, p.Ala256Ser (NM_001375551.1, NM_001375552.1, NM_001375555.1 and 4 more transcripts); and 10 more; short protein forms A256S, A410S, A414S, A496S, A492S, A409S, A413S, A491S.
Identifiers: ClinVar variation 778822 (VCV000778822.18), dbSNP rs41265969, ClinGen allele CA2081759.

ClinVar aggregate classification (germline): Benign/Likely benign. Review status: criteria provided, multiple submitters, no conflicts (2 of 4 stars). 3 submissions from 3 submitters: Benign (2); Likely benign (1). Last evaluated 2025-02-01.

Allele frequency attached by ClinVar (database versions not stated): 1000 Genomes Project 0.00160; 1000 Genomes Project 30x 0.00172; ESP Exome Variant Server 0.00569; TOPMed 0.00615; gnomAD 0.00730 and 0.00771.
gnomAD v4.1: 13,483 of 1,613,134 alleles (0.84%); highest among the groups gnomAD compares: Non-Finnish European, 0.93%; 80 homozygotes.

Submissions (3):

CeGaT Center for Human Genetics Tuebingen
Classification: Likely benign. Last evaluated: 2025-02-01. Review status: criteria provided, single submitter. Criteria: CeGaT Center For Human Genetics Tuebingen Variant Classification Criteria Version 2. Collection method: clinical testing. Allele origin: germline. Affected: yes. Observed: 1 variant allele.
Comment: MAP2: BP4, BS2

Labcorp Genetics (formerly Invitae), Labcorp
Classification: Benign. Last evaluated: 2019-12-31. Review status: criteria provided, single submitter. Criteria: Invitae Variant Classification Sherloc (09022015). Collection method: clinical testing. Allele origin: germline.

Breakthrough Genomics
Classification: Benign. Review status: criteria provided, single submitter. Criteria: ACMG Guidelines, 2015. Collection method: not provided. Allele origin: germline. Inheritance: Unknown mechanism. Affected: yes.